The following is an entry in ClinVar:

NM_000257.4(MYH7):c.4807G>A (p.Ala1603Thr)

Genes: MHRT (myosin heavy chain associated RNA transcript; plus strand), MYH7 (myosin heavy chain 7; minus strand), LOC126861897 (BRD4-independent group 4 enhancer GRCh37_chr14:23884455-23885654; plus strand). Cytogenetic location: 14q11.2.
Variant type: single nucleotide variant.
Coding change: c.4807G>A on transcript NM_000257.4 (MANE Select); coding-DNA position 4807, G replaced by A.
Protein change: p.Ala1603Thr; replaces alanine 1603 with threonine.
Molecular consequence: missense variant. On other transcripts: non-coding transcript variant (1).
Genome position (GRCh38, 1-based): chr14:23,416,150, C>T on the plus strand (G>A on the coding strand, the complement: MYH7 is on the minus strand). VCF-style: chr14-23416150-C-T. GRCh37 (hg19) VCF-style: chr14-23885359-C-T.
Other names: p.A1603T:GCA>ACA; c.4807G>A (LRG_384t1); short protein forms A1603T.
Identifiers: ClinVar variation 181266 (VCV000181266.24), dbSNP rs730880809, ClinGen allele CA015331.

ClinVar aggregate classification (germline): Uncertain significance. Review status: criteria provided, multiple submitters, no conflicts (2 of 4 stars). 8 submissions from 8 submitters: Uncertain significance (8). Last evaluated 2025-10-07.

Conditions:
Dilated cardiomyopathy 1S (CMD1S). Identifiers: Orphanet 154, Orphanet 54260, MedGen C1834481, MONDO:0013262, OMIM 613426.
MYH7-related skeletal myopathy. Also called: Laing distal myopathy; Laing early-onset distal myopathy; Myopathy, distal, 1; MYOPATHY, DISTAL, EARLY-ONSET, AUTOSOMAL DOMINANT; MYOPATHY, LATE DISTAL HEREDITARY. Identifiers: Orphanet 59135, MedGen C4552004, MONDO:0008050, OMIM 160500.
Hypertrophic cardiomyopathy 1 (CMH1). Also called: Familial hypertrophic cardiomyopathy 1; MYH7-Related Familial Hypertrophic Cardiomyopathy. Identifiers: MedGen C3495498, MONDO:0008647, OMIM 192600.
Myosin storage myopathy (CMYO7A). Also called: MYOPATHY WITH LYSIS OF TYPE I MYOFIBRILS; SCAPULOPERONEAL MUSCULAR DYSTROPHY; SCAPULOPERONEAL SYNDROME, MYOPATHIC TYPE; MYOPATHY, HYALINE BODY, AUTOSOMAL DOMINANT; MYH7-related late-onset scapuloperoneal muscular dystrophy; Congenital myopathy 7A, myosin storage, autosomal dominant. Identifiers: Orphanet 437572, Orphanet 636965, MedGen C1842160, MONDO:0008409, OMIM 608358.
Myopathy, myosin storage, autosomal recessive (CMYO7B). Also called: CONGENITAL MYOPATHY 7B, MYOSIN STORAGE, AUTOSOMAL RECESSIVE. Identifiers: Orphanet 636970, MedGen C1850709, MONDO:0009708, OMIM 255160.
Congenital myopathy with fiber type disproportion. Also called: Congenital fiber-type disproportion myopathy; Congenital fiber-type disproportion. Identifiers: Orphanet 2020, MedGen C0546264, MONDO:0009711. Inheritance: all.
Cardiovascular phenotype. Identifiers: MedGen CN230736.
Cardiomyopathy (CMYO). Also called: Cardiomyopathies. Identifiers: Orphanet 167848, MedGen C0878544, MONDO:0004994, HP:0001638. Inheritance: Various modes of inheritance.
Hypertrophic cardiomyopathy. Also called: HYPERTROPHIC MYOCARDIOPATHY. Identifiers: Orphanet 217569, MedGen C0007194, MeSH D002312, MONDO:0005045, HP:0001639.

Allele frequency attached by ClinVar (database versions not stated): gnomAD 0.00001; gnomAD exomes 0.00001; TOPMed 0.00003.
gnomAD v4.1: 29 of 1,614,074 alleles (0.0018%); highest among the groups gnomAD compares: South Asian, 0.0033%; no homozygotes.

Submissions (8):

Institute of Immunology and Genetics Kaiserslautern
Classification: Uncertain significance for Hypertrophic cardiomyopathy 1; MYH7-related skeletal myopathy; Myosin storage myopathy. Last evaluated: 2025-10-07. Review status: criteria provided, single submitter. Criteria: ACMG Guidelines, 2015. Collection method: clinical testing. Allele origin: germline. Affected: yes.
Comment: ACMG Criteria: PM1_P, PM2_P, PM5, PP5; Variant was found in heterozygous state.

Labcorp Genetics (formerly Invitae), Labcorp
Classification: Uncertain significance for Hypertrophic cardiomyopathy. Last evaluated: 2024-10-18. Review status: criteria provided, single submitter. Criteria: Invitae Variant Classification Sherloc (09022015). Collection method: clinical testing. Allele origin: germline.
Comment: This sequence change replaces alanine, which is neutral and non-polar, with threonine, which is neutral and polar, at codon 1603 of the MYH7 protein (p.Ala1603Thr). This variant is present in population databases (rs730880809, gnomAD 0.007%). This missense change has been observed in individual(s) with hypertrophic cardiomyopathy (PMID: 20800588, 33906374). ClinVar contains an entry for this variant (Variation ID: 181266). Invitae Evidence Modeling of protein sequence and biophysical properties (such as structural, functional, and spatial information, amino acid conservation, physicochemical variation, residue mobility, and thermodynamic stability) has been performed for this missense variant. However, the output from this modeling did not meet the statistical confidence thresholds required to predict the impact of this variant on MYH7 protein function. This variant disrupts the p.Ala1603 amino acid residue in MYH7. Other variant(s) that disrupt this residue have been determined to be pathogenic (PMID: 24664454, 25214167, 27387980; internal data). This suggests that this residue is clinically significant, and that variants that disrupt this residue are likely to be disease-causing. In summary, the available evidence is currently insufficient to determine the role of this variant in disease. Therefore, it has been classified as a Variant of Uncertain Significance.

All of Us Research Program, National Institutes of Health
Classification: Uncertain significance for Cardiomyopathy. Last evaluated: 2024-08-13. Review status: criteria provided, single submitter. Criteria: ACMG Guidelines, 2015. Collection method: clinical testing. Allele origin: germline. Inheritance: Autosomal dominant inheritance. Observed: 3 variant alleles, 3 heterozygotes.
Comment: This missense variant replaces alanine with threonine at codon 1603 of the MYH7 protein. Computational prediction tools indicate that this variant has a neutral impact on protein structure and function. To our knowledge, functional studies have not been reported for this variant. This variant has been reported in an individuals affected with hypertrophic cardiomyopathy (PMID: 20800588, 33906374, 35026164). This variant has been identified in 2/251490 chromosomes in the general population by the Genome Aggregation Database (gnomAD). The available evidence is insufficient to determine the role of this variant in disease conclusively. Therefore, this variant is classified as a Variant of Uncertain Significance.

This study involves interpretation of variants in research participants for the purpose of population health screening. Participant phenotype was not available at the time of variant classification. Additional details can be found in publication PMID: 35346344, PMCID: PMC8962531

Color Diagnostics, LLC DBA Color Health
Classification: Uncertain significance for Cardiomyopathy. Last evaluated: 2024-07-24. Review status: criteria provided, single submitter. Criteria: ACMG Guidelines, 2015. Collection method: clinical testing. Allele origin: germline.
Comment: This missense variant replaces alanine with threonine at codon 1603 of the MYH7 protein. Computational prediction tools indicate that this variant has a neutral impact on protein structure and function. To our knowledge, functional studies have not been reported for this variant. This variant has been reported in an individuals affected with hypertrophic cardiomyopathy (PMID: 20800588, 33906374, 35026164). This variant has been identified in 2/251490 chromosomes in the general population by the Genome Aggregation Database (gnomAD). The available evidence is insufficient to determine the role of this variant in disease conclusively. Therefore, this variant is classified as a Variant of Uncertain Significance.

Revvity Omics, Revvity
Classification: Uncertain significance. Last evaluated: 2023-03-21. Review status: criteria provided, single submitter. Criteria: ACMG Guidelines, 2015. Collection method: clinical testing. Allele origin: germline.

GeneDx
Classification: Uncertain significance. Last evaluated: 2022-06-01. Review status: criteria provided, single submitter. Criteria: GeneDx Variant Classification Process June 2021. Collection method: clinical testing. Allele origin: germline. Affected: yes.
Comment: Reported in association with HCM, including one pediatric patient (Millat et al., 2010; Newman et al., 2018; Ware et al., 2021); Not observed at significant frequency in large population cohorts (gnomAD); In silico analysis supports that this missense variant does not alter protein structure/function; This variant is associated with the following publications: (PMID: 20624503, 29362845, 20800588, 33906374, Shahbazi2020[CaseReport])

Fulgent Genetics
Classification: Uncertain significance for MYH7-related skeletal myopathy; Myosin storage myopathy; Hypertrophic cardiomyopathy 1; Myopathy, myosin storage, autosomal recessive; Congenital myopathy 4A, autosomal dominant; Dilated cardiomyopathy 1S. Last evaluated: 2021-08-23. Review status: criteria provided, single submitter. Criteria: ACMG Guidelines, 2015. Collection method: clinical testing. Allele origin: unknown.

Ambry Genetics
Classification: Uncertain significance for Cardiovascular phenotype. Last evaluated: 2017-08-24. Review status: criteria provided, single submitter. Criteria: Ambry Variant Classification Scheme 2023. Collection method: clinical testing. Allele origin: germline.
Comment: The p.A1603T variant (also known as c.4807G>A), located in coding exon 32 of the MYH7 gene, results from a G to A substitution at nucleotide position 4807. The alanine at codon 1603 is replaced by threonine, an amino acid with similar properties. This alteration was reported in a cohort of individuals with hypertrophic cardiomyopathy; however, limited clinical information was provided (Millat G et al. Clin. Chim. Acta, 2010 Dec;411:1983-91). This amino acid position is well conserved in available vertebrate species. In addition, the in silico prediction for this alteration is inconclusive. Since supporting evidence is limited at this time, the clinical significance of this alteration remains unclear.

Literature cited by the submitters: PubMed 20800588 (cited by 4 submitters); PubMed 33906374 (cited by 3 submitters); PubMed 24664454 (cited by Labcorp Genetics (formerly Invitae), Labcorp); PubMed 25214167 (cited by Labcorp Genetics (formerly Invitae), Labcorp); PubMed 27387980 (cited by Labcorp Genetics (formerly Invitae), Labcorp); PubMed 35026164 (cited by All of Us Research Program, National Institutes of Health and Color Diagnostics, LLC DBA Color Health).